The following is an entry in ClinVar:

Single allele

Genes: IMMP2L (inner mitochondrial membrane peptidase subunit 2; minus strand), LOC129389845 (MPRA-validated peak6688 silencer; plus strand). Cytogenetic location: 7q31.1.
Variant type: Deletion.
Identifiers: ClinVar variation 559396 (VCV000559396.1).

ClinVar aggregate classification (germline): Uncertain significance (0 of 4 stars; one submission).

Conditions:
Moderate global developmental delay. Identifiers: MedGen C2237142, HP:0011343.
Atypical behavior. Also called: Behavioral abnormality; Behavioral disorders. Identifiers: MedGen C0004941, HP:0000708.

Submission:

Medical Genetics Lab, Policlinico S. Orsola.Malpighi
Classification: Uncertain significance for Moderate global developmental delay; Atypical behavior. Last evaluated: 2018-05-01. Review status: no assertion criteria provided. Collection method: clinical testing. Allele origin: de novo. Affected: yes.
Comment: This is a small de novo deletion. Only the IMMP2L gene is deleted, which is a candidate for neurologic development. However, overlapping deletions are reported in databases (defined as likely benign/uncertain significance) and are often transmitted by healthy parents.